The following is an entry in ClinVar:

NC_000017.10:g.(?_4916928)_(4927446_?)del

Gene: KIF1C (kinesin family member 1C; plus strand). Cytogenetic location: 17p13.2.
Variant type: Deletion.
Identifiers: ClinVar variation 3243063 (VCV003243063.1).

ClinVar aggregate classification (germline): Uncertain significance (1 of 4 stars; one submission).

Conditions:
Spastic ataxia 2. Also called: Ataxia, spastic, 2, autosomal recessive. Identifiers: Orphanet 397946, MedGen C1969796, MONDO:0012651, OMIM 611302.

Submission:

Labcorp Genetics (formerly Invitae), Labcorp
Classification: Uncertain significance for Spastic ataxia 2. Last evaluated: 2023-07-17. Review status: criteria provided, single submitter. Criteria: Invitae Variant Classification Sherloc (09022015). Collection method: clinical testing. Allele origin: unknown.
Comment: In summary, the available evidence is currently insufficient to determine the role of this variant in disease. Therefore, it has been classified as a Variant of Uncertain Significance. This variant has not been reported in the literature in individuals affected with KIF1C-related conditions. This variant is a gross deletion of the genomic region encompassing exon(s) 17-23 of the KIF1C gene, which includes the termination codon. This deletion extends beyond the assayed region for this gene and therefore may encompass additional genes. While this deletion is not anticipated to lead to nonsense mediated decay, it is expected to alter mRNA translation or result in a truncated protein product.